The following is an entry in ClinVar:

NM_019892.6(INPP5E):c.1426G>A (p.Gly476Arg)

Gene: INPP5E (inositol polyphosphate-5-phosphatase E; minus strand). Cytogenetic location: 9q34.3.
Variant type: single nucleotide variant.
Coding change: c.1426G>A on transcript NM_019892.6 (MANE Select); coding-DNA position 1426, G replaced by A.
Protein change: p.Gly476Arg; replaces glycine 476 with arginine.
Molecular consequence: missense variant.
Genome position (GRCh38, 1-based): chr9:136,431,947, C>T on the plus strand (G>A on the coding strand, the complement: INPP5E is on the minus strand). VCF-style: chr9-136431947-C-T. GRCh37 (hg19) VCF-style: chr9-139326399-C-T.
Other names: c.1423G>A, p.Gly475Arg (NM_001318502.2); short protein forms G476R, G475R.
Identifiers: ClinVar variation 3720920 (VCV003720920.2).

ClinVar aggregate classification (germline): Pathogenic (1 of 4 stars; one submission).

Conditions:
Joubert syndrome. Also called: CEREBELLOPARENCHYMAL DISORDER IV; JOUBERT-BOLTSHAUSER SYNDROME; Familial aplasia of the vermis. Identifiers: Orphanet 475, MedGen C5979921, MONDO:0018772.

Submission:

Labcorp Genetics (formerly Invitae), Labcorp
Classification: Pathogenic for Joubert syndrome. Last evaluated: 2024-09-16. Review status: criteria provided, single submitter. Criteria: Invitae Variant Classification Sherloc (09022015). Collection method: clinical testing. Allele origin: germline.
Comment: This sequence change replaces glycine, which is neutral and non-polar, with arginine, which is basic and polar, at codon 476 of the INPP5E protein (p.Gly476Arg). This variant is not present in population databases (gnomAD no frequency). This missense change has been observed in individual(s) with Joubert Syndrome (PMID: 27434533). In at least one individual the data is consistent with being in trans (on the opposite chromosome) from a pathogenic variant. Invitae Evidence Modeling of protein sequence and biophysical properties (such as structural, functional, and spatial information, amino acid conservation, physicochemical variation, residue mobility, and thermodynamic stability) indicates that this missense variant is expected to disrupt INPP5E protein function with a positive predictive value of 95%. Algorithms developed to predict the effect of sequence changes on RNA splicing suggest that this variant may disrupt the consensus splice site. For these reasons, this variant has been classified as Pathogenic.

Literature cited by the submitters: PubMed 27434533.